The following is an entry in ClinVar:

NM_019616.4(F7):c.-42_-36del

Gene: F7 (coagulation factor VII; plus strand). Cytogenetic location: 13q34.
Variant type: Deletion.
Coding change: c.-42_-36del on transcript NM_019616.4 (MANE Select); 42 bases upstream of the start codon through 36 bases upstream of the start codon, 7 bases deleted (GGGAATG; older notation c.-42_-36delGGGAATG).
Molecular consequence: 5 prime UTR variant. On other transcripts: non-coding transcript variant (1).
Genome position (GRCh38, 1-based): chr13:113,105,800-113,105,806, GGGAATG deleted; deleting any 7 consecutive bases within chr13:113,105,797-113,105,806 gives the same sequence; the c. name uses the placement nearest the transcript's 3' end. VCF-style (leftmost placement, unchanged base first): chr13-113105796-CATGGGGA-C. GRCh37 (hg19) VCF-style: chr13-113760110-CATGGGGA-C.
Other names: c.-42_-36del7 (NM_000131.4); c.-42_-36del (NM_000131.5, NM_001267554.2).
Identifiers: ClinVar variation 4993033 (VCV004993033.1).

ClinVar aggregate classification (germline): Uncertain significance (1 of 4 stars; one submission).

Conditions:
F7-related disorder. Also called: F7-related condition.

Submission:

PreventionGenetics, part of Exact Sciences
Classification: Uncertain significance for F7-related condition. Last evaluated: 2026-01-08. Review status: criteria provided, single submitter. Criteria: ACMG Guidelines, 2015. Collection method: clinical testing. Allele origin: germline.
Comment: The F7 c.-42_-36del7 variant is located in the 5' untranslated region. To our knowledge, this variant has not been reported in the literature. This variant is reported in 0.013% of alleles in individuals of European (Non-Finnish) descent in gnomAD. Variants within this 5' UTR region have been reported in individuals affected with factor VII deficiency (Herrmann et al. 2009. PubMed ID: 18976247; Supplementary Table S1, Halimeh et al. 2023. PubMed ID: 38202056). At this time, the clinical significance of this variant is uncertain due to the absence of conclusive functional and genetic evidence.